The following is an entry in ClinVar:

ClinVar aggregate classification (germline): Uncertain significance (1 of 4 stars; one submission).

Conditions:
Hereditary cancer-predisposing syndrome. Also called: Tumor predisposition; Hereditary neoplastic syndrome; Hereditary Cancer Syndrome; Neoplastic Syndromes, Hereditary. Identifiers: Orphanet 140162, MedGen C0027672, MeSH D009386, MONDO:0015356.

Submission:

Ambry Genetics
Classification: Uncertain significance for Hereditary cancer-predisposing syndrome. Last evaluated: 2025-05-31. Review status: criteria provided, single submitter. Criteria: Ambry Variant Classification Scheme 2023. Collection method: clinical testing. Allele origin: germline.
Comment: The p.L215V variant (also known as c.643C>G), located in coding exon 7 of the RAD51D gene, results from a C to G substitution at nucleotide position 643. The leucine at codon 215 is replaced by valine, an amino acid with highly similar properties. This amino acid position is conserved. In addition, this alteration is predicted to be tolerated by in silico analysis. Based on the available evidence, the clinical significance of this variant remains unclear.

NM_002878.4(RAD51D):c.643C>G (p.Leu215Val)

Genes: RAD51D (RAD51 paralog D; minus strand), RAD51L3-RFFL (RAD51L3-RFFL readthrough; minus strand). Cytogenetic location: 17q12.
Variant type: single nucleotide variant.
Coding change: c.643C>G on transcript NM_002878.4 (MANE Select); coding-DNA position 643, C replaced by G.
Protein change: p.Leu215Val; replaces leucine 215 with valine.
Molecular consequence: missense variant. On other transcripts: non-coding transcript variant (3).
Genome position (GRCh38, 1-based): chr17:35,103,478, G>C on the plus strand (C>G on the coding strand, the complement: RAD51D is on the minus strand). VCF-style: chr17-35103478-G-C. GRCh37 (hg19) VCF-style: chr17-33430497-G-C.
Other names: c.703C>G, p.Leu235Val (NM_001142571.2); c.307C>G, p.Leu103Val (NM_133629.3); short protein forms L235V, L103V, L215V.
Identifiers: ClinVar variation 3942394 (VCV003942394.1).